The following is an entry in ClinVar:

NM_001458.5(FLNC):c.1088C>T (p.Pro363Leu)

Gene: FLNC (filamin C; plus strand). Cytogenetic location: 7q32.1.
Variant type: single nucleotide variant.
Coding change: c.1088C>T on transcript NM_001458.5 (MANE Select); coding-DNA position 1088, C replaced by T.
Protein change: p.Pro363Leu; replaces proline 363 with leucine.
Molecular consequence: missense variant.
Genome position (GRCh38, 1-based): chr7:128,838,307, C>T. VCF-style: chr7-128838307-C-T. GRCh37 (hg19) VCF-style: chr7-128478361-C-T.
Other names: c.1088C>T, p.Pro363Leu (NM_001127487.2); short protein forms P363L.
Identifiers: ClinVar variation 5008658 (VCV005008658.1).

ClinVar aggregate classification (germline): Uncertain significance (1 of 4 stars; one submission).

Submission:

GeneDx
Classification: Uncertain significance. Last evaluated: 2026-03-19. Review status: criteria provided, single submitter. Criteria: GeneDx Variant Classification Process June 2021. Collection method: clinical testing. Allele origin: germline.
Comment: Not observed at significant frequency in large population cohorts (gnomAD); In silico analysis supports that this missense variant has a deleterious effect on protein structure/function; Has not been previously published as pathogenic or benign to our knowledge